The following is an entry in ClinVar:

ClinVar aggregate classification (germline): Uncertain significance (1 of 4 stars; one submission).

Conditions:
Primary ciliary dyskinesia. Also called: Ciliary dyskinesia. Identifiers: Orphanet 244, MedGen C0008780, MONDO:0016575, HP:0012265.

Submission:

Labcorp Genetics (formerly Invitae), Labcorp
Classification: Uncertain significance for Primary ciliary dyskinesia. Last evaluated: 2023-06-20. Review status: criteria provided, single submitter. Criteria: Invitae Variant Classification Sherloc (09022015). Collection method: clinical testing. Allele origin: germline.
Comment: In summary, the available evidence is currently insufficient to determine the role of this variant in disease. Therefore, it has been classified as a Variant of Uncertain Significance. This variant disrupts a region of the CCDC40 protein in which other variant(s) (p.Pro13Leu) have been observed in individuals with CCDC40-related conditions (Invitae). This suggests that this is a clinically significant region of the protein, and that variants that disrupt it are likely to be disease-causing. Disruption of the initiator codon has been observed in individual(s) with clinical features of CCDC40-related conditions (Invitae). This variant is not present in population databases (gnomAD no frequency). This sequence change affects the initiator methionine of the CCDC40 mRNA. The next in-frame methionine is located at codon 31.

NM_017950.4(CCDC40):c.2T>G (p.Met1Arg)

Gene: CCDC40 (coiled-coil domain 40 molecular ruler complex subunit; plus strand). Cytogenetic location: 17q25.3.
Variant type: single nucleotide variant.
Coding change: c.2T>G on transcript NM_017950.4 (MANE Select); coding-DNA position 2, T replaced by G.
Protein change: p.Met1Arg; changes the start codon (methionine 1).
Molecular consequence: missense variant, initiator codon variant.
Genome position (GRCh38, 1-based): chr17:80,036,664, T>G. VCF-style: chr17-80036664-T-G. GRCh37 (hg19) VCF-style: chr17-78010463-T-G.
Other names: c.2T>G, p.Met1Arg (NM_001243342.2, NM_001330508.2); short protein forms M1R.
Identifiers: ClinVar variation 2750305 (VCV002750305.3), dbSNP rs2510279362, ClinGen allele CA401344304.
Genomic context (GRCh38, chr17:80,036,664, plus strand): 5'-TCGCAGCGCGCGTGGTCCCGGCCCGGCCGGATGTTGACAGCGTCGCCTAGCAACGGGAAA[T>G]GGCGGAACCGGGCGGCGCGGCGGGCCGGTAAGCCGGGCCGAGGGGCAGCGGGTCTTGGAG-3'
Protein context (NP_060420.2, residues 1-11): [Met1Arg]AEPGGAAGRS